The following is an entry in ClinVar:

NM_024685.4(BBS10):c.1032G>T (p.Arg344Ser)

Gene: BBS10 (Bardet-Biedl syndrome 10; minus strand). Cytogenetic location: 12q21.2.
Variant type: single nucleotide variant.
Coding change: c.1032G>T on transcript NM_024685.4 (MANE Select); coding-DNA position 1032, G replaced by T.
Protein change: p.Arg344Ser; replaces arginine 344 with serine.
Molecular consequence: missense variant.
Genome position (GRCh38, 1-based): chr12:76,346,953, C>A on the plus strand (G>T on the coding strand, the complement: BBS10 is on the minus strand). VCF-style: chr12-76346953-C-A. GRCh37 (hg19) VCF-style: chr12-76740733-C-A.
Other names: c.1032G>T (NM_024685.3); short protein forms R344S.
Identifiers: ClinVar variation 2142082 (VCV002142082.3), dbSNP rs550120113, ClinGen allele CA6694242.
Genomic context (GRCh38, chr12:76,346,953, plus strand): 5'-GTTAGGTATTTCACACTGCGAAAAGGCCTGTGGTGGTACAAATGGAGAAAGACCAATGAT[C>A]CTCCGGATAAGAGAAACTTCTTCTGATGATAAACACTCAACCACTGATATGCCATTCACC-3'
Protein context (NP_078961.3, residues 334-354): LSSEEVSLIR[Arg344Ser]IIGLSPFVPP

ClinVar aggregate classification (germline): Uncertain significance. Review status: criteria provided, multiple submitters, no conflicts (2 of 4 stars). 3 submissions from 3 submitters: Uncertain significance (3). Last evaluated 2026-09-13.

Conditions:
BBS10-related disorder. Also called: BBS10-related condition.
Inborn genetic diseases. Identifiers: MedGen C0950123, MeSH D030342.
Bardet-Biedl syndrome (BBS). Identifiers: Orphanet 110, MedGen C0752166, MONDO:0015229.

Allele frequency attached by ClinVar (database versions not stated): gnomAD 0.00001; gnomAD exomes 0.00003; ExAC 0.00012; 1000 Genomes Project 30x 0.00016; 1000 Genomes Project 0.00020.

Submissions (3):

PreventionGenetics, part of Exact Sciences
Classification: Uncertain significance for BBS10-related condition. Last evaluated: 2026-09-13. Review status: criteria provided, single submitter. Criteria: ACMG Guidelines, 2015. Collection method: clinical testing. Allele origin: germline.
Comment: The BBS10 c.1032G>T variant is predicted to result in the amino acid substitution p.Arg344Ser. To our knowledge, this variant has not been reported in the literature. This variant is reported in 0.072% of alleles in individuals of South Asian descent in gnomAD, which may be too common to be a primary cause of disease. Although we suspect that this variant may be benign, at this time, the clinical significance of this variant is uncertain due to the absence of conclusive functional and genetic evidence.

Ambry Genetics
Classification: Uncertain significance for Inborn genetic diseases. Last evaluated: 2023-11-20. Review status: criteria provided, single submitter. Criteria: Ambry Variant Classification Scheme 2023. Collection method: clinical testing. Allele origin: germline.

Labcorp Genetics (formerly Invitae), Labcorp
Classification: Uncertain significance for Bardet-Biedl syndrome. Last evaluated: 2022-07-17. Review status: criteria provided, single submitter. Criteria: Invitae Variant Classification Sherloc (09022015). Collection method: clinical testing. Allele origin: germline.
Comment: This sequence change replaces arginine, which is basic and polar, with serine, which is neutral and polar, at codon 344 of the BBS10 protein (p.Arg344Ser). This variant is present in population databases (rs550120113, gnomAD 0.07%). This variant has not been reported in the literature in individuals affected with BBS10-related conditions. Algorithms developed to predict the effect of missense changes on protein structure and function are either unavailable or do not agree on the potential impact of this missense change (SIFT: "Deleterious"; PolyPhen-2: "Possibly Damaging"; Align-GVGD: "Class C0"). In summary, the available evidence is currently insufficient to determine the role of this variant in disease. Therefore, it has been classified as a Variant of Uncertain Significance.